The following is an entry in ClinVar:

ClinVar aggregate classification (germline): Likely pathogenic (1 of 4 stars; one submission).

Conditions:
Oculodentodigital dysplasia (ODDD). Also called: Oculodentodigital syndrome; ODD SYNDROME. Identifiers: Orphanet 2710, MedGen C0812437, MONDO:0008111, OMIM 164200.

Submission:

Victorian Clinical Genetics Services, Murdoch Childrens Research Institute
Classification: Likely pathogenic for Oculodentodigital dysplasia. Last evaluated: 2022-09-02. Review status: criteria provided, single submitter. Criteria: ACMG Guidelines, 2015. Collection method: clinical testing. Allele origin: germline. Inheritance: Autosomal dominant inheritance.
Comment: Based on the classification scheme VCGS_Germline_v1.3.4, this variant is classified as Likely pathogenic. Following criteria are met: 0103 – Gain of function and loss of function are mechanisms of disease in this gene. Gain of hemichannel function has been reported for autosomal dominant oculodentodigital dysplasia (ODDD; MIM#164200) and epidermal skin diseases (MIM#617525, MIM#104100) while loss of gap junction function has been associated with autosomal recessive ODDD (MIM#257850) (PMIDs: 29902798, 27228968, 30631135). Additionally, dominant negative has also been suggested for autosomal dominant ODDD (PMIDs: 29902798, 34035645). (I) 0108 - This gene is associated with both recessive and dominant disease (OMIM). (I) 0115 - Variants in this gene are known to have variable expressivity. Variable expressivity has been reported for autosomal dominant ODDD (PMID: 29902798; OMIM). (I) 0200 - Variant is predicted to result in a missense amino acid change from valine to isoleucine. (I) 0251 - This variant is heterozygous. (I) 0301 - Variant is absent from gnomAD (both v2 and v3). (SP) 0502 - Missense variant with conflicting in silico predictions and uninformative conservation. (I) 0600 - Variant is located in the annotated transmembrane region 2 of the Connexin domain (PMID: 34035645). (I) 0705 - No comparable missense variants have previous evidence for pathogenicity. (I) 0807 - This variant has no previous evidence of pathogenicity. (I) 0902 - This variant has moderate evidence for segregation with disease. This variant has been demonstrated to segregated in five other affected individuals in this family. (SP) 1007 - No published functional evidence has been identified for this variant. (I) 1208 - Inheritance information for this variant is not currently available in this individual. (I) Legend: (SP) - Supporting pathogenic, (I) - Information, (SB) - Supporting benign

Literature cited by the submitters: PubMed 27228968; PubMed 29902798; PubMed 30631135; PubMed 34035645.

NM_000165.5(GJA1):c.235G>A (p.Val79Ile)

Gene: GJA1 (gap junction protein alpha 1; plus strand). Cytogenetic location: 6q22.31.
Variant type: single nucleotide variant.
Coding change: c.235G>A on transcript NM_000165.5 (MANE Select); coding-DNA position 235, G replaced by A.
Protein change: p.Val79Ile; replaces valine 79 with isoleucine.
Molecular consequence: missense variant.
Genome position (GRCh38, 1-based): chr6:121,447,082, G>A. VCF-style: chr6-121447082-G-A. GRCh37 (hg19) VCF-style: chr6-121768228-G-A.
Other names: short protein forms V79I.
Identifiers: ClinVar variation 3376584 (VCV003376584.1).